The following is an entry in ClinVar:

NM_001395413.1(POR):c.821+2dup

Gene: POR (cytochrome p450 oxidoreductase; plus strand). Cytogenetic location: 7q11.23.
Variant type: Duplication.
Coding change: c.821+2dup on transcript NM_001395413.1 (MANE Select); the canonical splice donor site of the intron after coding-DNA position 821, one base duplicated (T; older notation c.821+2dupT).
Molecular consequence: splice donor variant.
Genome position (GRCh38, 1-based): chr7:75,982,324, T duplicated. VCF-style (leftmost placement, unchanged base first): chr7-75982323-G-GT. GRCh37 (hg19) VCF-style: chr7-75611641-G-GT.
Other names: c.821+2dup (NM_001382662.3, NM_001382659.3, NM_001367562.3 and 2 more transcripts); c.875+2dup (NM_001382655.3).
Identifiers: ClinVar variation 360704 (VCV000360704.7), dbSNP rs886062440, ClinGen allele CA10629444.
Genomic context (GRCh38, chr7:75,982,323, plus strand): 5'-TGCGGCCAAGGTGTACATGGGGGAGATGGGCCGGCTGAAGAGCTACGAGAACCAGAAGCC[G>GT]TGAGTGGAGGGAGCGTGGCTTGGGGCAGACGGCTCTATGGCCACTGGTGCACCCCAGGCT-3'

ClinVar aggregate classification (germline): Uncertain significance (1 of 4 stars; one submission).

Conditions:
Congenital adrenal hyperplasia due to cytochrome P450 oxidoreductase deficiency. Also called: DISORDERED STEROIDOGENESIS DUE TO POR DEFICIENCY. Identifiers: Orphanet 95699, MedGen C1860042, MONDO:0013310, OMIM 613571.

Allele frequency attached by ClinVar (database versions not stated): gnomAD exomes below 0.00001 and 0.00003; TOPMed below 0.00001; gnomAD 0.00001.

Submission:

Labcorp Genetics (formerly Invitae), Labcorp
Classification: Uncertain significance for Congenital adrenal hyperplasia due to cytochrome P450 oxidoreductase deficiency. Last evaluated: 2022-02-14. Review status: criteria provided, single submitter. Criteria: Invitae Variant Classification Sherloc (09022015). Collection method: clinical testing. Allele origin: germline.
Comment: This sequence change falls in intron 8 of the POR gene. It does not directly change the encoded amino acid sequence of the POR protein. It affects a nucleotide within the consensus splice site. This variant is present in population databases (no rsID available, gnomAD 0.002%). This variant has been observed in individual(s) with POR-related conditions (PMID: 15793702). This variant is also known as IVS7+(2-3)insT. ClinVar contains an entry for this variant (Variation ID: 360704). Variants that disrupt the consensus splice site are a relatively common cause of aberrant splicing (PMID: 17576681, 9536098). Algorithms developed to predict the effect of sequence changes on RNA splicing suggest that this variant may disrupt the consensus splice site. In summary, the available evidence is currently insufficient to determine the role of this variant in disease. Therefore, it has been classified as a Variant of Uncertain Significance.

Literature cited by the submitters: PubMed 15793702; PubMed 17576681; PubMed 9536098.